The following is an entry in ClinVar:

ClinVar aggregate classification (germline): Uncertain significance (1 of 4 stars; one submission).

Conditions:
Hereditary cancer-predisposing syndrome. Also called: Tumor predisposition; Hereditary neoplastic syndrome; Neoplastic Syndromes, Hereditary; Hereditary Cancer Syndrome. Identifiers: Orphanet 140162, MedGen C0027672, MeSH D009386, MONDO:0015356.

gnomAD v4.1: 2 of 1,613,532 alleles (0.00012%); highest among the groups gnomAD compares: Non-Finnish European, 0.00017%; no homozygotes.

Submission:

Ambry Genetics
Classification: Uncertain significance for Hereditary cancer-predisposing syndrome. Last evaluated: 2025-04-03. Review status: criteria provided, single submitter. Criteria: Ambry Variant Classification Scheme 2023. Collection method: clinical testing. Allele origin: germline.
Comment: The p.H227N variant (also known as c.679C>A), located in coding exon 7 of the EPCAM gene, results from a C to A substitution at nucleotide position 679. The histidine at codon 227 is replaced by asparagine, an amino acid with similar properties. This amino acid position is conserved. In addition, this alteration is predicted to be tolerated by in silico analysis. Based on the available evidence, the clinical significance of this variant remains unclear.

NM_002354.3(EPCAM):c.679C>A (p.His227Asn)

Gene: EPCAM (epithelial cell adhesion molecule; plus strand). Cytogenetic location: 2p21.
Variant type: single nucleotide variant.
Coding change: c.679C>A on transcript NM_002354.3 (MANE Select); coding-DNA position 679, C replaced by A.
Protein change: p.His227Asn; replaces histidine 227 with asparagine.
Molecular consequence: missense variant.
Genome position (GRCh38, 1-based): chr2:47,379,790, C>A. VCF-style: chr2-47379790-C-A. GRCh37 (hg19) VCF-style: chr2-47606929-C-A.
Other names: short protein forms H227N.
Identifiers: ClinVar variation 4018566 (VCV004018566.1).